The following is an entry in ClinVar:

NM_006389.5(HYOU1):c.2047G>A (p.Gly683Arg)

Gene: HYOU1 (hypoxia up-regulated 1; minus strand). Cytogenetic location: 11q23.3.
Variant type: single nucleotide variant.
Coding change: c.2047G>A on transcript NM_006389.5 (MANE Select); coding-DNA position 2047, G replaced by A.
Protein change: p.Gly683Arg; replaces glycine 683 with arginine.
Molecular consequence: missense variant.
Genome position (GRCh38, 1-based): chr11:119,048,832, C>T on the plus strand (G>A on the coding strand, the complement: HYOU1 is on the minus strand). VCF-style: chr11-119048832-C-T. GRCh37 (hg19) VCF-style: chr11-118919544-C-T.
Other names: c.2047G>A, p.Gly683Arg (NM_001130991.3); short protein forms G683R.
Identifiers: ClinVar variation 1433431 (VCV001433431.8), dbSNP rs782328296, ClinGen allele CA229619393.
Genomic context (GRCh38, chr11:119,048,832, plus strand): 5'-GCTCCACCCCGATCTCCTCTACCATTCGCCGCTTCCTGGCGGGCTTCTGCTTCTTCTCTC[C>T]CTCTGGGGCTGGAGCGACGCCCTCAGGCCCTGCCTCTGCCTTCTCACTTGGTTTCTGGGT-3'
Protein context (NP_006380.1, residues 673-693): GPEGVAPAPE[Gly683Arg]EKKQKPARKR

ClinVar aggregate classification (germline): Uncertain significance (1 of 4 stars; one submission).

Allele frequency attached by ClinVar (database versions not stated): gnomAD 0.00001; gnomAD exomes 0.00001; TOPMed 0.00001.

Submission:

Labcorp Genetics (formerly Invitae), Labcorp
Classification: Uncertain significance. Last evaluated: 2025-04-13. Review status: criteria provided, single submitter. Criteria: Invitae Variant Classification Sherloc (09022015). Collection method: clinical testing. Allele origin: germline.
Comment: This sequence change replaces glycine, which is neutral and non-polar, with arginine, which is basic and polar, at codon 683 of the HYOU1 protein (p.Gly683Arg). This variant is present in population databases (rs782328296, gnomAD 0.003%). This variant has not been reported in the literature in individuals affected with HYOU1-related conditions. ClinVar contains an entry for this variant (Variation ID: 1433431). An algorithm developed to predict the effect of missense changes on protein structure and function (PolyPhen-2) suggests that this variant is likely to be tolerated. In summary, the available evidence is currently insufficient to determine the role of this variant in disease. Therefore, it has been classified as a Variant of Uncertain Significance.